The following is an entry in ClinVar:

ClinVar aggregate classification (germline): Likely benign. Review status: criteria provided, multiple submitters, no conflicts (2 of 4 stars). 2 submissions from 2 submitters: Likely benign (2). Last evaluated 2021-05-25.

Allele frequency attached by ClinVar (database versions not stated): 1000 Genomes Project 30x 0.00828; 1000 Genomes Project 0.00859; gnomAD 0.00925 and 0.00944; TOPMed 0.00949.
gnomAD v4.1: 9,260 of 1,186,126 alleles (0.78%); highest among the groups gnomAD compares: African/African-American, 1.5%; 62 homozygotes.

Submissions (2):

GeneDx
Classification: Likely benign. Last evaluated: 2021-05-25. Review status: criteria provided, single submitter. Criteria: GeneDx Variant Classification Process June 2021. Collection method: clinical testing. Allele origin: germline. Affected: yes.
Comment: See Variant Classification Assertion Criteria.

Breakthrough Genomics
Classification: Likely benign. Review status: criteria provided, single submitter. Criteria: ACMG Guidelines, 2015. Collection method: not provided. Allele origin: germline. Inheritance: Autosomal dominant inheritance. Affected: yes.

NM_001039.4(SCNN1G):c.619-78G>T

Gene: SCNN1G (sodium channel epithelial 1 subunit gamma; plus strand). Cytogenetic location: 16p12.2.
Variant type: single nucleotide variant.
Coding change: c.619-78G>T on transcript NM_001039.4 (MANE Select); 78 bases into the intron before coding-DNA position 619, G replaced by T.
Molecular consequence: intron variant.
Genome position (GRCh38, 1-based): chr16:23,192,274, G>T. VCF-style: chr16-23192274-G-T. GRCh37 (hg19) VCF-style: chr16-23203595-G-T.
Identifiers: ClinVar variation 1678660 (VCV001678660.3), dbSNP rs72646498, ClinGen allele CA279446607.